The following is an entry in ClinVar:

NM_002691.4(POLD1):c.3148C>T (p.Arg1050Cys)

Gene: POLD1 (DNA polymerase delta 1, catalytic subunit; plus strand). Cytogenetic location: 19q13.33.
Variant type: single nucleotide variant.
Coding change: c.3148C>T on transcript NM_002691.4 (MANE Select); coding-DNA position 3148, C replaced by T.
Protein change: p.Arg1050Cys; replaces arginine 1050 with cysteine.
Molecular consequence: missense variant. On other transcripts: non-coding transcript variant (1).
Genome position (GRCh38, 1-based): chr19:50,417,199, C>T. VCF-style: chr19-50417199-C-T. GRCh37 (hg19) VCF-style: chr19-50920456-C-T.
Other names: c.3148C>T, p.Arg1050Cys (NM_001256849.1); c.3226C>T, p.Arg1076Cys (NM_001308632.1); short protein forms R1076C, R1050C.
Identifiers: ClinVar variation 537068 (VCV000537068.17), dbSNP rs780749621, ClinGen allele CA9596773.

ClinVar aggregate classification (germline): Conflicting classifications of pathogenicity. Review status: criteria provided, conflicting classifications (1 of 4 stars). 4 submissions from 4 submitters: Uncertain significance (3); Likely benign (1). Last evaluated 2025-09-08.

Conditions:
Hereditary cancer-predisposing syndrome. Also called: Tumor predisposition; Neoplastic Syndromes, Hereditary; Hereditary Cancer Syndrome; Hereditary neoplastic syndrome. Identifiers: Orphanet 140162, MedGen C0027672, MeSH D009386, MONDO:0015356.
POLD1-related polyposis and colorectal cancer syndrome (CRCS10). Also called: Colorectal cancer 10; COLORECTAL CANCER, SUSCEPTIBILITY TO, ON CHROMOSOME 19q; Colorectal cancer, susceptibility to, 10. Identifiers: Orphanet 220460, MedGen C2675481, MONDO:0012953, OMIM 612591.

Allele frequency attached by ClinVar (database versions not stated): gnomAD 0.00001; gnomAD exomes 0.00001; ExAC 0.00003.
gnomAD v4.1: 9 of 1,606,422 alleles (0.00056%); highest among the groups gnomAD compares: Middle Eastern, 0.017%; no homozygotes.

Submissions (4):

Labcorp Genetics (formerly Invitae), Labcorp
Classification: Uncertain significance for POLD1-related polyposis and colorectal cancer syndrome. Last evaluated: 2025-09-08. Review status: criteria provided, single submitter. Criteria: Invitae Variant Classification Sherloc (09022015). Collection method: clinical testing. Allele origin: germline.
Comment: This sequence change replaces arginine, which is basic and polar, with cysteine, which is neutral and slightly polar, at codon 1050 of the POLD1 protein (p.Arg1050Cys). The frequency data for this variant in the population databases is considered unreliable, as metrics indicate poor data quality at this position in the gnomAD database. This variant has not been reported in the literature in individuals affected with POLD1-related conditions. ClinVar contains an entry for this variant (Variation ID: 537068). Invitae Evidence Modeling of protein sequence and biophysical properties (such as structural, functional, and spatial information, amino acid conservation, physicochemical variation, residue mobility, and thermodynamic stability) indicates that this missense variant is not expected to disrupt POLD1 protein function with a negative predictive value of 80%. In summary, the available evidence is currently insufficient to determine the role of this variant in disease. Therefore, it has been classified as a Variant of Uncertain Significance.

Ambry Genetics
Classification: Likely benign for Hereditary cancer-predisposing syndrome. Last evaluated: 2024-11-08. Review status: criteria provided, single submitter. Criteria: Ambry Variant Classification Scheme 2023. Collection method: clinical testing. Allele origin: germline.

KCCC/NGS Laboratory, Kuwait Cancer Control Center
Classification: Uncertain significance for POLD1-related polyposis and colorectal cancer syndrome. Last evaluated: 2023-07-07. Review status: criteria provided, single submitter. Criteria: ACMG Guidelines, 2015. Collection method: clinical testing. Allele origin: unknown. Affected: yes.
Comment: This sequence change replaces arginine with cysteine at codon 1050 of the POLD1 protein (p.Arg1050Cys). The arginine residue is weakly conserved and there is a large physicochemical difference between arginine and cysteine. This variant is not found in gnomAD genomes. This variant has not been reported in the literature in individuals with POLD1-related disease. In-silico predictions show pathogenic computational verdict based on 9 pathogenic predictions from PolyPhen, DANN, DEOGEN2, FATHMM-MKL, LIST-S2, M-CAP, MutationAssessor, MutationTaster, PrimateAI and SIFT vs 3 benign predictions from BayesDel_addAF, EIGEN and MVP and it weakly conserved . Therefore, it has been classified as a Variant of Uncertain Significance.

GeneDx
Classification: Uncertain significance. Last evaluated: 2021-06-23. Review status: criteria provided, single submitter. Criteria: GeneDx Variant Classification Process June 2021. Collection method: clinical testing. Allele origin: germline. Affected: yes.
Comment: Has not been previously published as pathogenic or benign to our knowledge; Not observed at significant frequency in large population cohorts (Lek et al., 2016); In silico analysis supports that this missense variant has a deleterious effect on protein structure/function; This variant is associated with the following publications: (PMID: 27535533)